The following is an entry in ClinVar:

NM_130837.3(OPA1):c.679G>T (p.Gly227Cys)

Genes: OPA1 (OPA1 mitochondrial dynamin like GTPase; plus strand), OPA1-AS1 (OPA1 antisense RNA 1; minus strand). Cytogenetic location: 3q29.
Variant type: single nucleotide variant.
Coding change: c.679G>T on transcript NM_130837.3 (MANE Select); coding-DNA position 679, G replaced by T.
Protein change: p.Gly227Cys; replaces glycine 227 with cysteine.
Molecular consequence: missense variant. On other transcripts: intron variant (5).
Genome position (GRCh38, 1-based): chr3:193,626,092, G>T. VCF-style: chr3-193626092-G-T. GRCh37 (hg19) VCF-style: chr3-193343881-G-T.
Other names: c.625G>T, p.Gly209Cys (NM_130836.3); c.253-5520G>T (NM_001354664.2); c.679-5520G>T (NM_130834.3); c.625-5520G>T (NM_015560.3); c.571-5520G>T (NM_130832.3); c.517-5520G>T (NM_130831.3); c.145G>T, p.Gly49Cys (NM_001354663.2); c.517G>T, p.Gly173Cys (NM_130833.3); and 1 more; short protein forms G173C, G191C, G209C, G227C, G49C.
Identifiers: ClinVar variation 2703352 (VCV002703352.3), dbSNP rs2474696764, ClinGen allele CA355788529.

ClinVar aggregate classification (germline): Uncertain significance (1 of 4 stars; one submission).

Submission:

Labcorp Genetics (formerly Invitae), Labcorp
Classification: Uncertain significance. Last evaluated: 2023-12-15. Review status: criteria provided, single submitter. Criteria: Invitae Variant Classification Sherloc (09022015). Collection method: clinical testing. Allele origin: germline.
Comment: The OPA1 gene has multiple clinically relevant transcripts. This variant occurs in alternate transcript NM_130837.2, and corresponds to NM_015560.2:c.625-5520G>T in the primary transcript. This sequence change replaces glycine, which is neutral and non-polar, with cysteine, which is neutral and slightly polar, at codon 227 of the OPA1 protein (p.Gly227Cys). This variant is not present in population databases (gnomAD no frequency). This variant has not been reported in the literature in individuals affected with OPA1-related conditions. Experimental studies and prediction algorithms are not available or were not evaluated, and the functional significance of this variant is currently unknown. Algorithms developed to predict the effect of sequence changes on RNA splicing suggest that this variant is not likely to affect RNA splicing. In summary, the available evidence is currently insufficient to determine the role of this variant in disease. Therefore, it has been classified as a Variant of Uncertain Significance.